The following is an entry in ClinVar:

NM_001374828.1(ARID1B):c.4804C>T (p.Gln1602Ter)

Gene: ARID1B (AT-rich interaction domain 1B; plus strand). Cytogenetic location: 6q25.3.
Variant type: single nucleotide variant.
Coding change: c.4804C>T on transcript NM_001374828.1 (MANE Select); coding-DNA position 4804, C replaced by T.
Protein change: p.Gln1602Ter; replaces glutamine 1602 with a stop codon.
Molecular consequence: nonsense.
Genome position (GRCh38, 1-based): chr6:157,201,029, C>T. VCF-style: chr6-157201029-C-T. GRCh37 (hg19) VCF-style: chr6-157522163-C-T.
Other names: NM_017519.3:c.4645C>T; c.4555C>T, p.Gln1519Ter (NM_001346813.1); c.2305C>T, p.Gln769Ter (NM_001363725.2); c.4684C>T, p.Gln1562Ter (NM_001371656.1, NM_001374820.1); c.4645C>T, p.Gln1549Ter (NM_017519.3); c.4435C>T, p.Gln1479Ter (NM_020732.3); c.4222C>T, p.Gln1408Ter (NM_175863.2); short protein forms Q1408*, Q1479*, Q1519*, Q1549*, Q1562*, Q1602*, Q769*.
Identifiers: ClinVar variation 2500909 (VCV002500909.1), dbSNP rs1380267781, ClinGen allele CA366241596.

ClinVar aggregate classification (germline): Pathogenic (1 of 4 stars; one submission).

Conditions:
Coffin-Siris syndrome 1 (CSS1). Also called: Mental retardation, autosomal dominant 12; ARID1B-Related Coffin-Siris Syndrome. Identifiers: Orphanet 1465, MedGen C3281201, MONDO:0007617, OMIM 135900. Disease mechanism: gain of function.

Submission:

Broad Center for Mendelian Genomics, Broad Institute of MIT and Harvard
Classification: Pathogenic for Coffin-Siris syndrome 1. Last evaluated: 2023-05-02. Review status: criteria provided, single submitter. Criteria: ACMG Guidelines, 2015. Collection method: curation. Allele origin: germline. Inheritance: Autosomal dominant inheritance.
Comment: Trio exome analysis showed this variant to be de novo. The p.Gln1479Ter variant in ARID1B has not been previously reported in individuals with Coffin-Siris syndrome 1. This variant was absent from large population studies. This nonsense variant leads to a premature termination codon at position 1479, which is predicted to lead to a truncated or absent protein. Heterozygous loss of function of the ARID1B gene is an established disease mechanism in autosomal dominant Coffin-Siris syndrome 1. In summary, this variant meets criteria to be classified as pathogenic for autosomal dominant Coffin-Siris syndrome 1. ACMG/AMP Criteria applied: PVS1, PS2_Supporting, PM2_Supporting (Richards 2015).